The following is an entry in ClinVar:

ClinVar aggregate classification (germline): Conflicting classifications of pathogenicity. Review status: criteria provided, conflicting classifications (1 of 4 stars). 4 submissions from 4 submitters: Uncertain significance (3); Likely benign (1). Last evaluated 2024-04-22.

Conditions:
Hereditary breast ovarian cancer syndrome. Also called: Breast and ovarian cancer; Hereditary breast and/or ovarian cancer syndrome; BRCA1- and BRCA2-Associated Hereditary Breast and Ovarian Cancer; Hereditary breast and ovarian cancer syndrome; Hereditary breast and ovarian cancer syndrome (HBOC); Hereditary breast and ovarian cancer. Identifiers: Orphanet 145, MedGen C0677776, MeSH D061325, MONDO:0003582. Disease mechanism: loss of function.
Breast-ovarian cancer, familial, susceptibility to, 1 (BROVCA1). Also called: BRCA1 Hereditary Breast and Ovarian Cancer; OVARIAN CANCER, SUSCEPTIBILITY TO. Identifiers: Orphanet 145, MedGen C2676676, MONDO:0011450, OMIM 604370. Disease mechanism: loss of function.
Hereditary cancer-predisposing syndrome. Also called: Tumor predisposition; Hereditary Cancer Syndrome; Hereditary neoplastic syndrome; Neoplastic Syndromes, Hereditary. Identifiers: Orphanet 140162, MedGen C0027672, MeSH D009386, MONDO:0015356.

Submissions (4):

Labcorp Genetics (formerly Invitae), Labcorp
Classification: Uncertain significance for Hereditary breast ovarian cancer syndrome. Last evaluated: 2024-04-22. Review status: criteria provided, single submitter. Criteria: Invitae Variant Classification Sherloc (09022015). Collection method: clinical testing. Allele origin: germline.
Comment: This sequence change replaces leucine, which is neutral and non-polar, with valine, which is neutral and non-polar, at codon 1080 of the BRCA1 protein (p.Leu1080Val). This variant is not present in population databases (gnomAD no frequency). This variant has not been reported in the literature in individuals affected with BRCA1-related conditions. ClinVar contains an entry for this variant (Variation ID: 531225). Advanced modeling of protein sequence and biophysical properties (such as structural, functional, and spatial information, amino acid conservation, physicochemical variation, residue mobility, and thermodynamic stability) performed at Invitae indicates that this missense variant is not expected to disrupt BRCA1 protein function with a negative predictive value of 95%. In summary, the available evidence is currently insufficient to determine the role of this variant in disease. Therefore, it has been classified as a Variant of Uncertain Significance.

Ambry Genetics
Classification: Uncertain significance for Hereditary cancer-predisposing syndrome. Last evaluated: 2023-06-12. Review status: criteria provided, single submitter. Criteria: Ambry Variant Classification Scheme 2023. Collection method: clinical testing. Allele origin: germline.
Comment: The p.L1080V variant (also known as c.3238T>G), located in coding exon 9 of the BRCA1 gene, results from a T to G substitution at nucleotide position 3238. The leucine at codon 1080 is replaced by valine, an amino acid with highly similar properties. This amino acid position is well conserved in available vertebrate species. In addition, the in silico prediction for this alteration is inconclusive. Since supporting evidence is limited at this time, the clinical significance of this alteration remains unclear.

All of Us Research Program, National Institutes of Health
Classification: Uncertain significance for Breast-ovarian cancer, familial, susceptibility to, 1. Last evaluated: 2023-05-16. Review status: criteria provided, single submitter. Criteria: ACMG Guidelines, 2015. Collection method: clinical testing. Allele origin: germline. Inheritance: Autosomal dominant inheritance. Observed: 1 variant allele, 1 heterozygote.
Comment: This missense variant replaces leucine with valine at codon 1080 of the BRCA1 protein. Computational prediction suggests that this variant may not impact protein structure and function (internally defined REVEL score threshold <= 0.5, PMID: 27666373). To our knowledge, functional studies have not been reported for this variant. This variant has not been reported in individuals affected with hereditary cancer in the literature. This variant has not been identified in the general population by the Genome Aggregation Database (gnomAD). The available evidence is insufficient to determine the role of this variant in disease conclusively. Therefore, this variant is classified as a Variant of Uncertain Significance.

This study involves interpretation of variants in research participants for the purpose of population health screening. Participant phenotype was not available at the time of variant classification. Additional details can be found in publication PMID: 35346344, PMCID: PMC8962531

University of Washington Department of Laboratory Medicine, University of Washington
Classification: Likely benign for Hereditary cancer-predisposing syndrome. Last evaluated: 2023-03-23. Review status: criteria provided, single submitter. Criteria: Dines et al. (Genet Med. 2020). Collection method: curation. Allele origin: germline.
Comment: Missense variant in a coldspot region where missense variants are very unlikely to be pathogenic (PMID:31911673).

BRCA1 coldspot (exon 11 using historical exon numbering). Reclassification based on statistical prior probability

NM_007294.4(BRCA1):c.3238T>G (p.Leu1080Val)

Genes: BRCA1 (BRCA1 DNA repair associated; minus strand), LOC126862571 (BRD4-independent group 4 enhancer GRCh37_chr17:41243136-41244335; plus strand). Cytogenetic location: 17q21.31.
Variant type: single nucleotide variant.
Coding change: c.3238T>G on transcript NM_007294.4 (MANE Select); coding-DNA position 3238, T replaced by G.
Protein change: p.Leu1080Val; replaces leucine 1080 with valine.
Molecular consequence: missense variant. On other transcripts: intron variant (137).
Genome position (GRCh38, 1-based): chr17:43,092,293, A>C on the plus strand (T>G on the coding strand, the complement: BRCA1 is on the minus strand). VCF-style: chr17-43092293-A-C. GRCh37 (hg19) VCF-style: chr17-41244310-A-C.
Other names: c.2902T>G, p.Leu968Val (NM_001407956.1, NM_001407958.1, NM_001407954.1 and 1 more transcripts); c.2905T>G, p.Leu969Val (NM_001407957.1, NM_001407946.1, NM_001407947.1 and 6 more transcripts); c.2857T>G, p.Leu953Val (NM_001407959.1, NM_001407960.1, NM_001407963.1); c.2854T>G, p.Leu952Val (NM_001407962.1); c.3094T>G, p.Leu1032Val (NM_001407964.1, NM_001407838.1, NM_001407839.1 and 20 more transcripts); c.2734T>G, p.Leu912Val (NM_001407965.1); c.2350T>G, p.Leu784Val (NM_001407966.1, NM_001407967.1); c.3097T>G, p.Leu1033Val (NM_001407752.1, NM_001407850.1, NM_001407851.1 and 29 more transcripts); and 41 more; short protein forms L1080V, L1033V, L1012V, L1038V, L1054V, L968V, L1010V, L1077V.
Identifiers: ClinVar variation 531225 (VCV000531225.17), dbSNP rs754597283, ClinGen allele CA10595506.